The following is an entry in ClinVar:

ClinVar aggregate classification (germline): Uncertain significance (1 of 4 stars; one submission).

Conditions:
Hypoplastic left heart syndrome. Also called: Hypoplastic left ventricle; Hypoplastic left heart. Identifiers: Orphanet 2248, MedGen C0152101, MONDO:0004933, HP:0004383.

Submission:

Labcorp Genetics (formerly Invitae), Labcorp
Classification: Uncertain significance for Hypoplastic left heart syndrome. Last evaluated: 2023-07-09. Review status: criteria provided, single submitter. Criteria: Invitae Variant Classification Sherloc (09022015). Collection method: clinical testing. Allele origin: germline.
Comment: In summary, the available evidence is currently insufficient to determine the role of this variant in disease. Therefore, it has been classified as a Variant of Uncertain Significance. An algorithm developed to predict the effect of missense changes on protein structure and function (PolyPhen-2) suggests that this variant is likely to be tolerated. This sequence change replaces lysine, which is basic and polar, with threonine, which is neutral and polar, at codon 152 of the HAND1 protein (p.Lys152Thr). This variant is not present in population databases (gnomAD no frequency). This variant has not been reported in the literature in individuals affected with HAND1-related conditions.

NM_004821.3(HAND1):c.455A>C (p.Lys152Thr)

Gene: HAND1 (heart and neural crest derivatives expressed 1; minus strand). Cytogenetic location: 5q33.2.
Variant type: single nucleotide variant.
Coding change: c.455A>C on transcript NM_004821.3 (MANE Select); coding-DNA position 455, A replaced by C.
Protein change: p.Lys152Thr; replaces lysine 152 with threonine.
Molecular consequence: missense variant.
Genome position (GRCh38, 1-based): chr5:154,477,554, T>G on the plus strand (A>C on the coding strand, the complement: HAND1 is on the minus strand). VCF-style: chr5-154477554-T-G. GRCh37 (hg19) VCF-style: chr5-153857114-T-G.
Other names: short protein forms K152T.
Identifiers: ClinVar variation 2739349 (VCV002739349.3), dbSNP rs2532476987, ClinGen allele CA361921962.